The following is an entry in ClinVar:

NM_000535.7(PMS2):c.142G>A (p.Asp48Asn)

Gene: PMS2 (PMS1 homolog 2, mismatch repair system component; minus strand). Cytogenetic location: 7p22.1.
Variant type: single nucleotide variant.
Coding change: c.142G>A on transcript NM_000535.7 (MANE Select); coding-DNA position 142, G replaced by A.
Protein change: p.Asp48Asn; replaces aspartic acid 48 with asparagine.
Molecular consequence: missense variant. On other transcripts: 5 prime UTR variant (8), non-coding transcript variant (1), intron variant (3).
Genome position (GRCh38, 1-based): chr7:6,005,913, C>T on the plus strand (G>A on the coding strand, the complement: PMS2 is on the minus strand). VCF-style: chr7-6005913-C-T. GRCh37 (hg19) VCF-style: chr7-6045544-C-T.
Other names: p.Asp48Asn; c.-264G>A (NM_001322003.2, NM_001322005.2, NM_001322009.2 and 1 more transcripts); c.142G>A, p.Asp48Asn (NM_001322006.2, NM_001322014.2); c.-74G>A (NM_001322007.2); c.-743G>A (NM_001322011.2, NM_001322012.2); c.-343G>A (NM_001322015.2); c.-52-1855G>A (NM_001322008.2); c.-242-1855G>A (NM_001322010.2, NM_001322004.2); short protein forms D48N.
Identifiers: ClinVar variation 233518 (VCV000233518.23), dbSNP rs755665894, ClinGen allele CA043487.

ClinVar aggregate classification (germline): Conflicting classifications of pathogenicity. Review status: criteria provided, conflicting classifications (1 of 4 stars). 9 submissions from 9 submitters: Pathogenic (1); Likely pathogenic (1); Uncertain significance (7). Last evaluated 2026-01-26.

Conditions:
Lynch syndrome 4 (LYNCH4). Also called: Colorectal cancer, hereditary nonpolyposis, type 4; Hereditary non-polyposis colorectal cancer, type 4. Identifiers: Orphanet 144, MedGen C1838333, MONDO:0013699, OMIM 614337. Disease mechanism: loss of function.
Hereditary nonpolyposis colorectal neoplasms. Identifiers: MedGen C0009405, MeSH D003123.
Hereditary cancer-predisposing syndrome. Also called: Neoplastic Syndromes, Hereditary; Tumor predisposition; Hereditary Cancer Syndrome; Hereditary neoplastic syndrome. Identifiers: Orphanet 140162, MedGen C0027672, MeSH D009386, MONDO:0015356.
Lynch syndrome. Identifiers: Orphanet 144, MedGen C4552100, MONDO:0005835. Disease mechanism: loss of function.

Allele frequency attached by ClinVar (database versions not stated): gnomAD exomes below 0.00001; TOPMed below 0.00001; ExAC 0.00001; gnomAD 0.00001.
gnomAD v4.1: 4 of 1,610,708 alleles (0.00025%); highest among the groups gnomAD compares: Non-Finnish European, 0.00034%; no homozygotes.

Submissions (9):

University of Washington Department of Laboratory Medicine, University of Washington
Classification: Likely pathogenic for Lynch syndrome 4. Last evaluated: 2026-01-26. Review status: criteria provided, single submitter. Criteria: Shirts BH et al. (Am J Hum Genet 2018). Collection method: clinical testing. Allele origin: germline. Affected: yes.
Comment: We classify the PMS2 c.142G>A (p.Asp48Asn) variant as likely pathogenic based on internal evidence. Tumor sequencing revealed a single somatic PMS2 variant, consistent with partial biallelic inactivation and supporting the role of PMS2 deficiency in tumorigenesis (PS3_supporting). Additionally, the tumor had a single somatic MSH6 mutations, secondary to microsatellite instability, to explain the IHC loss of MSH6. The use of tumor molecular features and somatic evidence to inform germline variant classification has been described in the literature (Shirts et al., 2018. Genet Med. PMID: 29887214). The p.Asp48Asn alteration replaces a negatively charged aspartic acid with a neutral asparagine at a highly conserved residue in PMS2, a non-conservative substitution predicted to disrupt local protein structure and function. Multiple computational tools (including REVEL, SIFT, and PolyPhen-2) predict a deleterious effect (PP3). This variant is extremely rare in population databases, observed in 1/245,776 chromosomes in gnomAD v4.0.0 (PM2_supporting). Prior reports (ClinVar SCV000277905.8) describe this variant in individuals affected with Lynch syndrome-associated cancers, including cases with colorectal cancer, providing additional evidence of phenotype specificity (PP4). Taken together, the germline detection, tumor evidence supporting PMS2 deficiency, deleterious computational predictions, high conservation of the affected residue, rarity in population databases, and prior literature association with Lynch syndrome collectively support a likely pathogenic classification for the PMS2 c.142G>A (p.Asp48Asn) variant.

Labcorp Genetics (formerly Invitae), Labcorp
Classification: Pathogenic for Hereditary nonpolyposis colorectal neoplasms. Last evaluated: 2025-12-28. Review status: criteria provided, single submitter. Criteria: Invitae Variant Classification Sherloc (09022015). Collection method: clinical testing. Allele origin: germline.
Comment: This sequence change replaces aspartic acid, which is acidic and polar, with asparagine, which is neutral and polar, at codon 48 of the PMS2 protein (p.Asp48Asn). This variant is present in population databases (rs755665894, gnomAD 0.0009%). This variant has not been reported in the literature in individuals affected with PMS2-related conditions. Invitae Evidence Modeling of clinical and family history, age, sex, and reported ancestry of multiple individuals with this PMS2 variant has been performed. This variant is expected to be pathogenic with a positive predictive value of at least 99%. This is a validated machine learning model that incorporates the clinical features of 1,627,235 individuals referred to our laboratory for PMS2 testing. ClinVar contains an entry for this variant (Variation ID: 233518). Invitae Evidence Modeling incorporating data from in vitro experimental studies (internal data) indicates that this missense variant is expected to disrupt PMS2 function with a positive predictive value of 95%. For these reasons, this variant has been classified as Pathogenic.

Ambry Genetics
Classification: Uncertain significance for Hereditary cancer-predisposing syndrome. Last evaluated: 2025-04-22. Review status: criteria provided, single submitter. Criteria: Ambry Variant Classification Scheme 2023. Collection method: clinical testing. Allele origin: germline.
Comment: The p.D48N variant (also known as c.142G>A), located in coding exon 2 of the PMS2 gene, results from a G to A substitution at nucleotide position 142. The aspartic acid at codon 48 is replaced by asparagine, an amino acid with highly similar properties. This alteration is detected in at least one individual whose Lynch-related tumor demonstrated microsatellite stability and/or normal mismatch repair protein expression on immunohistochemistry (Ambry internal data). This alteration was also seen to co-segregate in a family that meets Amsterdam criteria (Ambry internal data). This amino acid position is highly conserved in available vertebrate species. In addition, the in silico prediction for this alteration is inconclusive. Since supporting evidence is conflicting at this time, the clinical significance of this alteration remains unclear.

Quest Diagnostics Nichols Institute San Juan Capistrano
Classification: Uncertain significance. Last evaluated: 2024-08-01. Review status: criteria provided, single submitter. Criteria: Quest Diagnostics criteria. Collection method: clinical testing. Allele origin: unknown.
Comment: The PMS2 c.142G>A (p.Asp48Asn) variant has not been reported in individuals with PMS2-related conditions in the published literature. The frequency of this variant in the general population, 0.0000041 (1/245776 chromosomes (Genome Aggregation Database)), is uninformative in the assessment of its pathogenicity. Analysis of this variant using bioinformatics tools for the prediction of the effect of amino acid changes on protein structure and function yielded predictions that this variant is damaging. Based on the available information, we are unable to determine the clinical significance of this variant.

Baylor Genetics
Classification: Uncertain significance for Lynch syndrome 4. Last evaluated: 2024-02-16. Review status: criteria provided, single submitter. Criteria: ACMG Guidelines, 2015. Collection method: clinical testing. Allele origin: unknown.

All of Us Research Program, National Institutes of Health
Classification: Uncertain significance for Lynch syndrome. Last evaluated: 2023-12-13. Review status: criteria provided, single submitter. Criteria: ACMG Guidelines, 2015. Collection method: clinical testing. Allele origin: germline. Inheritance: Autosomal dominant inheritance. Observed: 1 variant allele, 1 heterozygote.
Comment: This missense variant replaces aspartic acid with asparagine at codon 48 of the PMS2 protein. Computational prediction suggests that this variant may have deleterious impact on protein structure and function (internally defined REVEL score threshold >= 0.7, PMID: 27666373). To our knowledge, functional studies have not been reported for this variant. This variant has been reported in at least one individual affected with a Lynch syndrome-associated cancer that demonstrated microsatellite stability and/or intact mismatch repair protein expression via immunohistochemistry analysis (ClinVar SCV000277905.6). This variant has been identified in 1/245776 chromosomes in the general population by the Genome Aggregation Database (gnomAD). The available evidence is insufficient to determine the role of this variant in disease conclusively. Therefore, this variant is classified as a Variant of Uncertain Significance.

This study involves interpretation of variants in research participants for the purpose of population health screening. Participant phenotype was not available at the time of variant classification. Additional details can be found in publication PMID: 35346344, PMCID: PMC8962531

Color Diagnostics, LLC DBA Color Health
Classification: Uncertain significance for Hereditary cancer-predisposing syndrome. Last evaluated: 2023-11-17. Review status: criteria provided, single submitter. Criteria: ACMG Guidelines, 2015. Collection method: clinical testing. Allele origin: germline.
Comment: This missense variant replaces aspartic acid with asparagine at codon 48 of the PMS2 protein. Computational prediction suggests that this variant may have deleterious impact on protein structure and function (internally defined REVEL score threshold >= 0.7, PMID: 27666373). To our knowledge, functional studies have not been reported for this variant. This variant has been reported in at least one individual affected with a Lynch syndrome-associated cancer that demonstrated microsatellite stability and/or intact mismatch repair protein expression via immunohistochemistry analysis (ClinVar SCV000277905.6). This variant has been identified in 1/245776 chromosomes in the general population by the Genome Aggregation Database (gnomAD). The available evidence is insufficient to determine the role of this variant in disease conclusively. Therefore, this variant is classified as a Variant of Uncertain Significance.

Mayo Clinic Laboratories, Mayo Clinic
Classification: Uncertain significance. Last evaluated: 2022-12-08. Review status: criteria provided, single submitter. Criteria: ACMG Guidelines, 2015. Collection method: clinical testing. Allele origin: germline. Observed: 1 variant allele.
Comment: PP3, PM2

Women's Health and Genetics/Laboratory Corporation of America, LabCorp
Classification: Uncertain significance. Last evaluated: 2017-10-31. Review status: criteria provided, single submitter. Criteria: LabCorp Variant Classification Summary - May 2015. Collection method: clinical testing. Allele origin: germline.
Comment: Variant summary: The PMS2 c.142G>A (p.Asp48Asn) variant involves the alteration of a conserved nucleotide that lies within the histidine kinase/HSP90-like ATPase domain (InterPro). 3/4 in silico tools predict a damaging outcome for this variant (SNPsandGO not captured due to low reliability index). This variant was found in 1/240414 control chromosomes at a frequency of 0.0000042, which does not exceed the estimated maximal expected allele frequency of a pathogenic PMS2 variant (0.0001136). One clinical diagnostic laboratory classified this variant as uncertain significance. The variant of interest has not, to our knowledge, been reported in affected individuals via publications nor evaluated for functional impact by in vivo/vitro studies. Because of the absence of clinical information and the lack of functional studies, the variant is classified as a variant of uncertain significance (VUS) until additional information becomes available.

Literature cited by the submitters: PubMed 32459922 (cited by Quest Diagnostics Nichols Institute San Juan Capistrano).